The following is an entry in ClinVar:

NM_001303.4(COX10):c.625-227G>T

Gene: COX10 (cytochrome c oxidase assembly factor heme A:farnesyltransferase COX10; plus strand). Cytogenetic location: 17p12.
Variant type: single nucleotide variant.
Coding change: c.625-227G>T on transcript NM_001303.4 (MANE Select); 227 bases into the intron before coding-DNA position 625, G replaced by T.
Molecular consequence: intron variant.
Genome position (GRCh38, 1-based): chr17:14,159,650, G>T. VCF-style: chr17-14159650-G-T. GRCh37 (hg19) VCF-style: chr17-14062967-G-T.
Identifiers: ClinVar variation 683882 (VCV000683882.1), dbSNP rs58001250, ClinGen allele CA15913652.
Genomic context (GRCh38, chr17:14,159,650, plus strand): 5'-TTGTCTGCATATGCCAAGGGACTTGGCTACTTGTATGTTTAACAGGTGATTTTCAAAGTG[G>T]ATAAAAGTAGATATTCCTGACACCTAGTGCAAATTATTGTTGTTGTTTTGGTTTTTTGTT-3'

ClinVar aggregate classification (germline): Benign (1 of 4 stars; one submission).

Allele frequency attached by ClinVar (database versions not stated): TOPMed 0.11937; gnomAD 0.13016 and 0.13613; 1000 Genomes Project 30x 0.15896; 1000 Genomes Project 0.16893.
gnomAD v4.1: 20,606 of 151,780 alleles (14%); highest among the groups gnomAD compares: East Asian, 40%; 1,980 homozygotes.

Submission:

GeneDx
Classification: Benign. Last evaluated: 2018-06-14. Review status: criteria provided, single submitter. Criteria: GeneDx Variant Classification (06012015). Collection method: clinical testing. Allele origin: germline. Affected: yes.
Comment: This variant is considered likely benign or benign based on one or more of the following criteria: it is a conservative change, it occurs at a poorly conserved position in the protein, it is predicted to be benign by multiple in silico algorithms, and/or has population frequency not consistent with disease.